The following is an entry in ClinVar:

ClinVar aggregate classification (germline): Uncertain significance. Review status: criteria provided, multiple submitters, no conflicts (2 of 4 stars). 2 submissions from 2 submitters: Uncertain significance (2). Last evaluated 2025-09-27.

Conditions:
Thyroid dyshormonogenesis 6 (TDH6). Also called: Genetic transient congenital hypothyroidism; THYROID HORMONOGENESIS, GENETIC DEFECT IN, 6; HYPOTHYROIDISM, CONGENITAL, DUE TO DYSHORMONOGENESIS, 6. Identifiers: Orphanet 226316, Orphanet 95716, MedGen C1846632, MONDO:0011792, OMIM 607200.

Allele frequency attached by ClinVar (database versions not stated): gnomAD exomes 0.00004; TOPMed 0.00004; gnomAD 0.00005; ExAC 0.00007.
gnomAD v4.1: 59 of 1,613,658 alleles (0.0037%); highest among the groups gnomAD compares: Non-Finnish European, 0.0049%; no homozygotes.

Submissions (2):

Labcorp Genetics (formerly Invitae), Labcorp
Classification: Uncertain significance. Last evaluated: 2025-09-27. Review status: criteria provided, single submitter. Criteria: Invitae Variant Classification Sherloc (09022015). Collection method: clinical testing. Allele origin: germline.
Comment: This sequence change replaces leucine, which is neutral and non-polar, with proline, which is neutral and non-polar, at codon 45 of the DUOX2 protein (p.Leu45Pro). This variant is present in population databases (rs141169239, gnomAD 0.01%). This variant has not been reported in the literature in individuals affected with DUOX2-related conditions. ClinVar contains an entry for this variant (Variation ID: 2178893). Invitae Evidence Modeling of protein sequence and biophysical properties (such as structural, functional, and spatial information, amino acid conservation, physicochemical variation, residue mobility, and thermodynamic stability) indicates that this missense variant is expected to disrupt DUOX2 protein function with a positive predictive value of 80%. In summary, the available evidence is currently insufficient to determine the role of this variant in disease. Therefore, it has been classified as a Variant of Uncertain Significance.

Bioscientia Institut fuer Medizinische Diagnostik GmbH, Sonic Healthcare
Classification: Uncertain significance for Thyroid dyshormonogenesis 6. Last evaluated: 2025-02-10. Review status: criteria provided, single submitter. Criteria: ACMG Guidelines, 2015. Collection method: clinical testing. Allele origin: germline. Affected: yes.

NM_001363711.2(DUOX2):c.134T>C (p.Leu45Pro)

Gene: DUOX2 (dual oxidase 2; minus strand). Cytogenetic location: 15q21.1.
Variant type: single nucleotide variant.
Coding change: c.134T>C on transcript NM_001363711.2 (MANE Select); coding-DNA position 134, T replaced by C.
Protein change: p.Leu45Pro; replaces leucine 45 with proline.
Molecular consequence: missense variant.
Genome position (GRCh38, 1-based): chr15:45,113,013, A>G on the plus strand (T>C on the coding strand, the complement: DUOX2 is on the minus strand). VCF-style: chr15-45113013-A-G. GRCh37 (hg19) VCF-style: chr15-45405211-A-G.
Other names: c.134T>C, p.Leu45Pro (NM_014080.5); c.134T>C (NM_014080.4); short protein forms L45P.
Identifiers: ClinVar variation 2178893 (VCV002178893.4), dbSNP rs141169239, ClinGen allele CA7539123.